The following is an entry in ClinVar:

ClinVar aggregate classification (germline): Uncertain significance (1 of 4 stars; one submission).

Allele frequency attached by ClinVar (database versions not stated): TOPMed 0.00001; gnomAD exomes 0.00002.
gnomAD v4.1: 30 of 1,610,908 alleles (0.0019%); highest among the groups gnomAD compares: Non-Finnish European, 0.0025%; no homozygotes.

Submission:

Labcorp Genetics (formerly Invitae), Labcorp
Classification: Uncertain significance. Last evaluated: 2023-08-29. Review status: criteria provided, single submitter. Criteria: Invitae Variant Classification Sherloc (09022015). Collection method: clinical testing. Allele origin: germline.
Comment: Advanced modeling of protein sequence and biophysical properties (such as structural, functional, and spatial information, amino acid conservation, physicochemical variation, residue mobility, and thermodynamic stability) performed at Invitae indicates that this missense variant is not expected to disrupt C1S protein function. ClinVar contains an entry for this variant (Variation ID: 1719863). This variant has not been reported in the literature in individuals affected with C1S-related conditions. This variant is present in population databases (no rsID available, gnomAD 0.0009%). This sequence change replaces lysine, which is basic and polar, with asparagine, which is neutral and polar, at codon 296 of the C1S protein (p.Lys296Asn). In summary, the available evidence is currently insufficient to determine the role of this variant in disease. Therefore, it has been classified as a Variant of Uncertain Significance.

NM_001734.5(C1S):c.888G>T (p.Lys296Asn)

Gene: C1S (complement C1s; plus strand). Cytogenetic location: 12p13.31.
Variant type: single nucleotide variant.
Coding change: c.888G>T on transcript NM_001734.5 (MANE Select); coding-DNA position 888, G replaced by T.
Protein change: p.Lys296Asn; replaces lysine 296 with asparagine.
Molecular consequence: missense variant.
Genome position (GRCh38, 1-based): chr12:7,066,534, G>T. VCF-style: chr12-7066534-G-T. GRCh37 (hg19) VCF-style: chr12-7173838-G-T.
Other names: c.387G>T, p.Lys129Asn (NM_001346850.2); c.888G>T, p.Lys296Asn (NM_201442.4); short protein forms K129N, K296N.
Identifiers: ClinVar variation 1719863 (VCV001719863.5), dbSNP rs1166218469, ClinGen allele CA383698493.